The following is an entry in ClinVar:

NM_023944.4(CYP4F12):c.1517T>A (p.Met506Lys)

Gene: CYP4F12 (cytochrome P450 family 4 subfamily F member 12; plus strand). Cytogenetic location: 19p13.12.
Variant type: single nucleotide variant.
Coding change: c.1517T>A on transcript NM_023944.4 (MANE Select); coding-DNA position 1517, T replaced by A.
Protein change: p.Met506Lys; replaces methionine 506 with lysine.
Molecular consequence: missense variant. On other transcripts: non-coding transcript variant (1).
Genome position (GRCh38, 1-based): chr19:15,697,027, T>A. VCF-style: chr19-15697027-T-A. GRCh37 (hg19) VCF-style: chr19-15807837-T-A.
Other names: p.Met506Lys; short protein forms M506K.
Identifiers: ClinVar variation 4857479 (VCV004857479.2).
Genomic context (GRCh38, chr19:15,697,027, plus strand): 5'-TGCTGCACTTCCGGTTCCTGCCAGACCACACTGAGCCCCGCAGGAAGCTGGAATTGATCA[T>A]GCGCGCCGAGGGCGGGCTTTGGCTGCGGGTGGAGCCCCTGAATGTAAGCTTGCAGTGACT-3'
Protein context (NP_076433.3, residues 496-516): TEPRRKLELI[Met506Lys]RAEGGLWLRV

ClinVar aggregate classification (germline): Uncertain significance (1 of 4 stars; one submission).

gnomAD v4.1: 548 of 1,614,194 alleles (0.034%); highest among the groups gnomAD compares: East Asian, 1%; 5 homozygotes.

Submission:

Department of Cardiology, West China Hospital, Sichuan University
Classification: Uncertain significance. Last evaluated: 2026-09-15. Review status: criteria provided, single submitter. Criteria: ACMG Guidelines, 2015. Collection method: research. Allele origin: germline. Inheritance: Autosomal recessive inheritance. Affected: yes. Observed: 2 variant alleles, 2 homozygotes.
Comment: The CYP4F12 NM_023944.4:c.1517T>A (p.Met506Lys; rs184430991) variant was identified in the homozygous state in two affected siblings from a consanguineous family and in the heterozygous state in other tested relatives. Although the observed segregation is compatible with a recessive model, current evidence does not support a causal relationship with the familial hypercholesterolemia phenotype. The variant has a relatively high allele frequency in East Asian populations (~1.6% in gnomAD), homozygous individuals are present in population databases, an established CYP4F12–hypercholesterolemia gene–disease relationship is lacking, and no independent replication or functional evidence is available. The variant therefore remains classified as a variant of uncertain significance and should be regarded as an exploratory finding rather than an established cause of disease.